The following is an entry in ClinVar:

NM_004836.7(EIF2AK3):c.1333G>T (p.Val445Leu)

Gene: EIF2AK3 (eukaryotic translation initiation factor 2 alpha kinase 3; minus strand). Cytogenetic location: 2p11.2.
Variant type: single nucleotide variant.
Coding change: c.1333G>T on transcript NM_004836.7 (MANE Select); coding-DNA position 1333, G replaced by T.
Protein change: p.Val445Leu; replaces valine 445 with leucine.
Molecular consequence: missense variant.
Genome position (GRCh38, 1-based): chr2:88,588,078, C>A on the plus strand (G>T on the coding strand, the complement: EIF2AK3 is on the minus strand). VCF-style: chr2-88588078-C-A. GRCh37 (hg19) VCF-style: chr2-88887596-C-A.
Other names: c.880G>T, p.Val294Leu (NM_001313915.2); short protein forms V294L, V445L.
Identifiers: ClinVar variation 4770765 (VCV004770765.1).

ClinVar aggregate classification (germline): Uncertain significance (1 of 4 stars; one submission).

Submission:

Labcorp Genetics (formerly Invitae), Labcorp
Classification: Uncertain significance. Last evaluated: 2025-05-08. Review status: criteria provided, single submitter. Criteria: Invitae Variant Classification Sherloc (09022015). Collection method: clinical testing. Allele origin: germline.
Comment: This sequence change replaces valine, which is neutral and non-polar, with leucine, which is neutral and non-polar, at codon 445 of the EIF2AK3 protein (p.Val445Leu). This variant is not present in population databases (gnomAD no frequency). This variant has not been reported in the literature in individuals affected with EIF2AK3-related conditions. An algorithm developed to predict the effect of missense changes on protein structure and function (PolyPhen-2) suggests that this variant is likely to be tolerated. In summary, the available evidence is currently insufficient to determine the role of this variant in disease. Therefore, it has been classified as a Variant of Uncertain Significance.